The following is an entry in ClinVar:

NM_015557.3(CHD5):c.939C>G (p.Ser313=)

Gene: CHD5 (chromodomain helicase DNA binding protein 5; minus strand). Cytogenetic location: 1p36.31.
Variant type: single nucleotide variant.
Coding change: c.939C>G on transcript NM_015557.3 (MANE Select); coding-DNA position 939, C replaced by G.
Protein change: p.Ser313=; no amino-acid change (serine 313 retained).
Molecular consequence: synonymous variant.
Genome position (GRCh38, 1-based): chr1:6,151,087, G>C on the plus strand (C>G on the coding strand, the complement: CHD5 is on the minus strand). VCF-style: chr1-6151087-G-C. GRCh37 (hg19) VCF-style: chr1-6211147-G-C.
Identifiers: ClinVar variation 731575 (VCV000731575.15), dbSNP rs112932753, ClinGen allele CA557201.

ClinVar aggregate classification (germline): Benign/Likely benign. Review status: criteria provided, multiple submitters, no conflicts (2 of 4 stars). 3 submissions from 3 submitters: Benign (2); Likely benign (1). Last evaluated 2025-09-01.

Allele frequency attached by ClinVar (database versions not stated): 1000 Genomes Project 0.00280; 1000 Genomes Project 30x 0.00281; ESP Exome Variant Server 0.00369; TOPMed 0.00429.
gnomAD v4.1: 1,160 of 1,608,938 alleles (0.072%); highest among the groups gnomAD compares: African/African-American, 1.3%; 8 homozygotes.

Submissions (3):

CeGaT Center for Human Genetics Tuebingen
Classification: Likely benign. Last evaluated: 2025-09-01. Review status: criteria provided, single submitter. Criteria: CeGaT Center For Human Genetics Tuebingen Variant Classification Criteria Version 2. Collection method: clinical testing. Allele origin: germline. Affected: yes. Observed: 2 variant alleles.
Comment: CHD5: BP4, BP7, BS1

Labcorp Genetics (formerly Invitae), Labcorp
Classification: Benign. Last evaluated: 2019-12-31. Review status: criteria provided, single submitter. Criteria: Invitae Variant Classification Sherloc (09022015). Collection method: clinical testing. Allele origin: germline.

Breakthrough Genomics
Classification: Benign. Review status: criteria provided, single submitter. Criteria: ACMG Guidelines, 2015. Collection method: not provided. Allele origin: germline. Inheritance: Autosomal dominant inheritance. Affected: yes.